The following is an entry in ClinVar:

ClinVar aggregate classification (germline): Uncertain significance. Review status: criteria provided, multiple submitters, no conflicts (2 of 4 stars). 2 submissions from 2 submitters: Uncertain significance (2). Last evaluated 2025-10-09.

Allele frequency attached by ClinVar (database versions not stated): gnomAD exomes 0.00001; ExAC 0.00002; gnomAD 0.00016; TOPMed 0.00023; 1000 Genomes Project 30x 0.00031; 1000 Genomes Project 0.00040.
gnomAD v4.1: 42 of 1,613,828 alleles (0.0026%); highest among the groups gnomAD compares: Admixed American, 0.048%; no homozygotes.

Submissions (2):

Labcorp Genetics (formerly Invitae), Labcorp
Classification: Uncertain significance. Last evaluated: 2025-10-09. Review status: criteria provided, single submitter. Criteria: Invitae Variant Classification Sherloc (09022015). Collection method: clinical testing. Allele origin: germline.
Comment: This sequence change replaces histidine, which is basic and polar, with arginine, which is basic and polar, at codon 651 of the ATRN protein (p.His651Arg). This variant is present in population databases (rs560470964, gnomAD 0.009%). This variant has not been reported in the literature in individuals affected with ATRN-related conditions. ClinVar contains an entry for this variant (Variation ID: 2147705). An algorithm developed to predict the effect of missense changes on protein structure and function (PolyPhen-2) suggests that this variant is likely to be tolerated. In summary, the available evidence is currently insufficient to determine the role of this variant in disease. Therefore, it has been classified as a Variant of Uncertain Significance.

Ambry Genetics
Classification: Uncertain significance. Last evaluated: 2025-08-13. Review status: criteria provided, single submitter. Criteria: Ambry Variant Classification Scheme 2023. Collection method: clinical testing. Allele origin: germline.

NM_139321.3(ATRN):c.1952A>G (p.His651Arg)

Gene: ATRN (attractin; plus strand). Cytogenetic location: 20p13.
Variant type: single nucleotide variant.
Coding change: c.1952A>G on transcript NM_139321.3 (MANE Select); coding-DNA position 1952, A replaced by G.
Protein change: p.His651Arg; replaces histidine 651 with arginine.
Molecular consequence: missense variant.
Genome position (GRCh38, 1-based): chr20:3,572,811, A>G. VCF-style: chr20-3572811-A-G. GRCh37 (hg19) VCF-style: chr20-3553458-A-G.
Other names: c.1604A>G, p.His535Arg (NM_001207047.3); c.1952A>G, p.His651Arg (NM_001323332.2, NM_139322.4); c.1952A>G (NM_139321.2); short protein forms H535R, H651R.
Identifiers: ClinVar variation 2147705 (VCV002147705.5), dbSNP rs560470964, ClinGen allele CA9744189.
Genomic context (GRCh38, chr20:3,572,811, plus strand): 5'-GTTTCAATAGTCTCCTCCTCAGCGACATCCTGGTATTCACCTCGGAACAGTGTGATGCGC[A>G]TCGGAGTGAAGCCGCTTGTTTAGCAGCAGGACCTGGTATTCGGTGTGTGTGGAACACAGG-3'
Protein context (NP_647537.1, residues 641-661): LVFTSEQCDA[His651Arg]RSEAACLAAG